The following is an entry in ClinVar:

ClinVar aggregate classification (germline): Uncertain significance (1 of 4 stars; one submission).

Submission:

GeneDx
Classification: Uncertain significance. Last evaluated: 2025-04-28. Review status: criteria provided, single submitter. Criteria: GeneDx Variant Classification Process June 2021. Collection method: clinical testing. Allele origin: germline. Affected: yes.
Comment: Not observed at significant frequency in large population cohorts (gnomAD); In silico analysis supports that this missense variant has a deleterious effect on protein structure/function; Has not been previously published as pathogenic or benign to our knowledge

NM_003072.5(SMARCA4):c.4775C>G (p.Ser1592Cys)

Gene: SMARCA4 (SWI/SNF related BAF chromatin remodeling complex subunit ATPase 4; plus strand). Cytogenetic location: 19p13.2.
Variant type: single nucleotide variant.
Coding change: c.4775C>G on transcript NM_003072.5 (MANE Select); coding-DNA position 4775, C replaced by G.
Protein change: p.Ser1592Cys; replaces serine 1592 with cysteine.
Molecular consequence: missense variant. On other transcripts: non-coding transcript variant (1).
Genome position (GRCh38, 1-based): chr19:11,060,051, C>G. VCF-style: chr19-11060051-C-G. GRCh37 (hg19) VCF-style: chr19-11170727-C-G.
Other names: c.4676C>G, p.Ser1559Cys (NM_001128847.4, NM_001374457.1); c.4673C>G, p.Ser1558Cys (NM_001128848.2); c.4871C>G, p.Ser1624Cys (NM_001128849.3, NM_001387283.1); c.4772C>G, p.Ser1591Cys (NM_001411150.1); c.4775C>G, p.Ser1592Cys (NM_001128844.3); c.4685C>G, p.Ser1562Cys (NM_001128845.2); c.4682C>G, p.Ser1561Cys (NM_001128846.2); short protein forms S1558C, S1559C, S1561C, S1562C, S1591C, S1592C, S1624C.
Identifiers: ClinVar variation 4527485 (VCV004527485.1).